The following is an entry in ClinVar:

NM_015041.3(CLUAP1):c.143C>A (p.Pro48His)

Gene: CLUAP1 (clusterin associated protein 1; plus strand). Cytogenetic location: 16p13.3.
Variant type: single nucleotide variant.
Coding change: c.143C>A on transcript NM_015041.3 (MANE Select); coding-DNA position 143, C replaced by A.
Protein change: p.Pro48His; replaces proline 48 with histidine.
Molecular consequence: missense variant.
Genome position (GRCh38, 1-based): chr16:3,506,339, C>A. VCF-style: chr16-3506339-C-A. GRCh37 (hg19) VCF-style: chr16-3556339-C-A.
Other names: c.143C>A, p.Pro48His (NM_001330454.2); short protein forms P48H.
Identifiers: ClinVar variation 1040337 (VCV001040337.8), dbSNP rs1596383726, ClinGen allele CA394510885.

ClinVar aggregate classification (germline): Uncertain significance (1 of 4 stars; one submission).

Allele frequency attached by ClinVar (database versions not stated): gnomAD 0.00001; gnomAD exomes 0.00002.
gnomAD v4.1: 15 of 1,613,526 alleles (0.00093%); highest among the groups gnomAD compares: East Asian, 0.033%; no homozygotes.

Submission:

Labcorp Genetics (formerly Invitae), Labcorp
Classification: Uncertain significance. Last evaluated: 2022-08-31. Review status: criteria provided, single submitter. Criteria: Invitae Variant Classification Sherloc (09022015). Collection method: clinical testing. Allele origin: germline.
Comment: In summary, the available evidence is currently insufficient to determine the role of this variant in disease. Therefore, it has been classified as a Variant of Uncertain Significance. Algorithms developed to predict the effect of missense changes on protein structure and function are either unavailable or do not agree on the potential impact of this missense change (SIFT: "Deleterious"; PolyPhen-2: "Probably Damaging"; Align-GVGD: "Class C0"). ClinVar contains an entry for this variant (Variation ID: 1040337). This variant has not been reported in the literature in individuals affected with CLUAP1-related conditions. This variant is not present in population databases (gnomAD no frequency). This sequence change replaces proline, which is neutral and non-polar, with histidine, which is basic and polar, at codon 48 of the CLUAP1 protein (p.Pro48His).